The following is an entry in ClinVar:

NM_000548.5(TSC2):c.703A>G (p.Ser235Gly)

Gene: TSC2 (TSC complex subunit 2; plus strand). Cytogenetic location: 16p13.3.
Variant type: single nucleotide variant.
Coding change: c.703A>G on transcript NM_000548.5 (MANE Select); coding-DNA position 703, A replaced by G.
Protein change: p.Ser235Gly; replaces serine 235 with glycine.
Molecular consequence: missense variant.
Genome position (GRCh38, 1-based): chr16:2,056,698, A>G. VCF-style: chr16-2056698-A-G. GRCh37 (hg19) VCF-style: chr16-2106699-A-G.
Other names: c.703A>G, p.Ser235Gly (NM_001077183.3, NM_001114382.3, NM_001363528.2 and 3 more transcripts); c.592A>G, p.Ser198Gly (NM_001318827.2); c.556A>G, p.Ser186Gly (NM_001318829.2); c.103A>G, p.Ser35Gly (NM_001318831.2); c.736A>G, p.Ser246Gly (NM_001318832.2); short protein forms S235G, S186G, S35G, S198G, S246G.
Identifiers: ClinVar variation 570728 (VCV000570728.6), dbSNP rs1567408536, ClinGen allele CA394312672.

ClinVar aggregate classification (germline): Uncertain significance. Review status: criteria provided, multiple submitters, no conflicts (2 of 4 stars). 2 submissions from 2 submitters: Uncertain significance (2). Last evaluated 2026-04-10.

Conditions:
Hereditary cancer-predisposing syndrome. Also called: Tumor predisposition; Hereditary Cancer Syndrome; Neoplastic Syndromes, Hereditary; Hereditary neoplastic syndrome. Identifiers: Orphanet 140162, MedGen C0027672, MeSH D009386, MONDO:0015356.
Tuberous sclerosis 2 (TSC2). Identifiers: Orphanet 805, MedGen C1860707, MONDO:0013199, OMIM 613254.

Submissions (2):

Ambry Genetics
Classification: Uncertain significance for Hereditary cancer-predisposing syndrome. Last evaluated: 2026-04-10. Review status: criteria provided, single submitter. Criteria: Ambry Variant Classification Scheme 2023. Collection method: clinical testing. Allele origin: germline.
Comment: The p.S235G variant (also known as c.703A>G), located in coding exon 7 of the TSC2 gene, results from an A to G substitution at nucleotide position 703. The serine at codon 235 is replaced by glycine, an amino acid with similar properties. This amino acid position is well conserved in available vertebrate species. In addition, the in silico prediction for this alteration is inconclusive. Based on the available evidence, the clinical significance of this variant remains unclear.

Labcorp Genetics (formerly Invitae), Labcorp
Classification: Uncertain significance for Tuberous sclerosis 2. Last evaluated: 2023-05-28. Review status: criteria provided, single submitter. Criteria: Invitae Variant Classification Sherloc (09022015). Collection method: clinical testing. Allele origin: germline.
Comment: This variant has not been reported in the literature in individuals affected with TSC2-related conditions. This variant is not present in population databases (gnomAD no frequency). This sequence change replaces serine, which is neutral and polar, with glycine, which is neutral and non-polar, at codon 235 of the TSC2 protein (p.Ser235Gly). In summary, the available evidence is currently insufficient to determine the role of this variant in disease. Therefore, it has been classified as a Variant of Uncertain Significance. Advanced modeling of protein sequence and biophysical properties (such as structural, functional, and spatial information, amino acid conservation, physicochemical variation, residue mobility, and thermodynamic stability) performed at Invitae indicates that this missense variant is not expected to disrupt TSC2 protein function. ClinVar contains an entry for this variant (Variation ID: 570728).